The following is an entry in ClinVar:

NM_032888.4(COL27A1):c.3321G>T (p.Leu1107Phe)

Gene: COL27A1 (collagen type XXVII alpha 1 chain; plus strand). Cytogenetic location: 9q32.
Variant type: single nucleotide variant.
Coding change: c.3321G>T on transcript NM_032888.4 (MANE Select); coding-DNA position 3321, G replaced by T.
Protein change: p.Leu1107Phe; replaces leucine 1107 with phenylalanine.
Molecular consequence: missense variant.
Genome position (GRCh38, 1-based): chr9:114,265,092, G>T. VCF-style: chr9-114265092-G-T. GRCh37 (hg19) VCF-style: chr9-117027372-G-T.
Other names: c.3321G>T (NM_032888.2); short protein forms L1107F.
Identifiers: ClinVar variation 2417479 (VCV002417479.4), dbSNP rs970484314, ClinGen allele CA198648815.

ClinVar aggregate classification (germline): Uncertain significance. Review status: criteria provided, multiple submitters, no conflicts (2 of 4 stars). 2 submissions from 2 submitters: Uncertain significance (2). Last evaluated 2024-10-04.

Conditions:
Inborn genetic diseases. Identifiers: MedGen C0950123, MeSH D030342.

Allele frequency attached by ClinVar (database versions not stated): gnomAD 0.00003; TOPMed 0.00004; gnomAD exomes 0.00009.
gnomAD v4.1: 126 of 1,611,946 alleles (0.0078%); highest among the groups gnomAD compares: Non-Finnish European, 0.01%; no homozygotes.

Submissions (2):

Ambry Genetics
Classification: Uncertain significance for Inborn genetic diseases. Last evaluated: 2024-10-04. Review status: criteria provided, single submitter. Criteria: Ambry Variant Classification Scheme 2023. Collection method: clinical testing. Allele origin: germline.

Labcorp Genetics (formerly Invitae), Labcorp
Classification: Uncertain significance. Last evaluated: 2022-06-20. Review status: criteria provided, single submitter. Criteria: Invitae Variant Classification Sherloc (09022015). Collection method: clinical testing. Allele origin: germline.
Comment: This sequence change replaces leucine, which is neutral and non-polar, with phenylalanine, which is neutral and non-polar, at codon 1107 of the COL27A1 protein (p.Leu1107Phe). This variant is present in population databases (no rsID available, gnomAD 0.007%). This variant has not been reported in the literature in individuals affected with COL27A1-related conditions. Advanced modeling of protein sequence and biophysical properties (such as structural, functional, and spatial information, amino acid conservation, physicochemical variation, residue mobility, and thermodynamic stability) performed at Invitae indicates that this missense variant is not expected to disrupt COL27A1 protein function. In summary, the available evidence is currently insufficient to determine the role of this variant in disease. Therefore, it has been classified as a Variant of Uncertain Significance.